The following is an entry in ClinVar:

ClinVar aggregate classification (germline): Uncertain significance (1 of 4 stars; one submission).

Allele frequency attached by ClinVar (database versions not stated): gnomAD exomes 0.00001 and 0.00003; ExAC 0.00002; TOPMed 0.00004.
gnomAD v4.1: 10 of 1,592,080 alleles (0.00063%); highest among the groups gnomAD compares: East Asian, 0.009%; no homozygotes.

Submission:

Labcorp Genetics (formerly Invitae), Labcorp
Classification: Uncertain significance. Last evaluated: 2021-08-28. Review status: criteria provided, single submitter. Criteria: Invitae Variant Classification Sherloc (09022015). Collection method: clinical testing. Allele origin: germline.
Comment: This sequence change replaces asparagine with serine at codon 38 of the WHRN protein (p.Asn38Ser). The asparagine residue is moderately conserved and there is a small physicochemical difference between asparagine and serine. This variant is present in population databases (rs781494777, ExAC 0.03%). This variant has not been reported in the literature in individuals affected with WHRN-related conditions. Algorithms developed to predict the effect of missense changes on protein structure and function are either unavailable or do not agree on the potential impact of this missense change (SIFT: "Tolerated"; PolyPhen-2: "Probably Damaging"; Align-GVGD: "Class C0"). Algorithms developed to predict the effect of sequence changes on RNA splicing suggest that this variant may create or strengthen a splice site. In summary, the available evidence is currently insufficient to determine the role of this variant in disease. Therefore, it has been classified as a Variant of Uncertain Significance.

NM_015404.4(WHRN):c.113A>G (p.Asn38Ser)

Gene: WHRN (whirlin; minus strand). Cytogenetic location: 9q32.
Variant type: single nucleotide variant.
Coding change: c.113A>G on transcript NM_015404.4 (MANE Select); coding-DNA position 113, A replaced by G.
Protein change: p.Asn38Ser; replaces asparagine 38 with serine.
Molecular consequence: missense variant.
Genome position (GRCh38, 1-based): chr9:114,504,689, T>C on the plus strand (A>G on the coding strand, the complement: WHRN is on the minus strand). VCF-style: chr9-114504689-T-C. GRCh37 (hg19) VCF-style: chr9-117266969-T-C.
Other names: c.113A>G, p.Asn38Ser (NM_001173425.2); short protein forms N38S.
Identifiers: ClinVar variation 934551 (VCV000934551.7), dbSNP rs781494777, ClinGen allele CA5206360.
Genomic context (GRCh38, chr9:114,504,689, plus strand): 5'-AACTGCTCCCGCTCCGCCTCGCTCAGCAGCGCGGTCAGCGCTTGGTGCAGCTGGCGCACG[T>C]TGGCAGACAGTAACCGCAGCCCCGCGCCCCCGCCGCCGCCCGCCCCGGCCGCCGAGCCCA-3'
Protein context (NP_056219.3, residues 28-48): GGAGLRLLSA[Asn38Ser]VRQLHQALTA